The following is an entry in ClinVar:

ClinVar aggregate classification (germline): Uncertain significance (1 of 4 stars; one submission).

Submission:

Labcorp Genetics (formerly Invitae), Labcorp
Classification: Uncertain significance. Last evaluated: 2023-08-10. Review status: criteria provided, single submitter. Criteria: Invitae Variant Classification Sherloc (09022015). Collection method: clinical testing. Allele origin: germline.
Comment: An algorithm developed to predict the effect of missense changes on protein structure and function (PolyPhen-2) suggests that this variant is likely to be tolerated. This variant has not been reported in the literature in individuals affected with HYOU1-related conditions. This variant is not present in population databases (gnomAD no frequency). This sequence change replaces lysine, which is basic and polar, with glutamic acid, which is acidic and polar, at codon 623 of the HYOU1 protein (p.Lys623Glu). In summary, the available evidence is currently insufficient to determine the role of this variant in disease. Therefore, it has been classified as a Variant of Uncertain Significance.

NM_006389.5(HYOU1):c.1867A>G (p.Lys623Glu)

Gene: HYOU1 (hypoxia up-regulated 1; minus strand). Cytogenetic location: 11q23.3.
Variant type: single nucleotide variant.
Coding change: c.1867A>G on transcript NM_006389.5 (MANE Select); coding-DNA position 1867, A replaced by G.
Protein change: p.Lys623Glu; replaces lysine 623 with glutamic acid.
Molecular consequence: missense variant.
Genome position (GRCh38, 1-based): chr11:119,049,143, T>C on the plus strand (A>G on the coding strand, the complement: HYOU1 is on the minus strand). VCF-style: chr11-119049143-T-C. GRCh37 (hg19) VCF-style: chr11-118919855-T-C.
Other names: c.1867A>G, p.Lys623Glu (NM_001130991.3, NM_001411041.1); short protein forms K623E.
Identifiers: ClinVar variation 2781211 (VCV002781211.3), dbSNP rs781963006, ClinGen allele CA382931398.